The following is an entry in ClinVar:

NM_001365951.3(KIF1B):c.5017G>A (p.Val1673Met)

Gene: KIF1B (kinesin family member 1B; plus strand). Cytogenetic location: 1p36.22.
Variant type: single nucleotide variant.
Coding change: c.5017G>A on transcript NM_001365951.3 (MANE Select); coding-DNA position 5017, G replaced by A.
Protein change: p.Val1673Met; replaces valine 1673 with methionine.
Molecular consequence: missense variant.
Genome position (GRCh38, 1-based): chr1:10,374,386, G>A. VCF-style: chr1-10374386-G-A. GRCh37 (hg19) VCF-style: chr1-10434444-G-A.
Other names: c.5017G>A, p.Val1673Met (NM_001365952.1); c.4879G>A, p.Val1627Met (NM_015074.3); short protein forms V1627M, V1673M.
Identifiers: ClinVar variation 2624438 (VCV002624438.2), dbSNP rs779659071, ClinGen allele CA582245.

ClinVar aggregate classification (germline): Uncertain significance (1 of 4 stars; one submission).

Allele frequency attached by ClinVar (database versions not stated): ExAC 0.00001; gnomAD 0.00001; gnomAD exomes 0.00001.
gnomAD v4.1: 10 of 1,614,046 alleles (0.00062%); highest among the groups gnomAD compares: Non-Finnish European, 0.00051%; no homozygotes.

Submission:

Ambry Genetics
Classification: Uncertain significance. Last evaluated: 2023-07-24. Review status: criteria provided, single submitter. Criteria: Ambry Variant Classification Scheme 2023. Collection method: clinical testing. Allele origin: germline.
Comment: The p.V1627M variant (also known as c.4879G>A), located in coding exon 43 of the KIF1B gene, results from a G to A substitution at nucleotide position 4879. The valine at codon 1627 is replaced by methionine, an amino acid with highly similar properties. This amino acid position is well conserved in available vertebrate species. In addition, this alteration is predicted to be tolerated by in silico analysis. The evidence for this gene-disease relationship is limited; therefore, the clinical significance of this alteration is unclear.